The following is an entry in ClinVar:

ClinVar aggregate classification (germline): Pathogenic. Review status: criteria provided, multiple submitters, no conflicts (2 of 4 stars). 4 submissions from 4 submitters: Pathogenic (4). Last evaluated 2024-11-11.

Conditions:
Hereditary cancer-predisposing syndrome. Also called: Hereditary Cancer Syndrome; Neoplastic Syndromes, Hereditary; Tumor predisposition; Hereditary neoplastic syndrome. Identifiers: Orphanet 140162, MedGen C0027672, MeSH D009386, MONDO:0015356.
Cardiovascular phenotype. Identifiers: MedGen CN230736.
Neurofibromatosis, type 1 (NF1). Also called: NEUROFIBROMATOSIS, TYPE I, SOMATIC; VON RECKLINGHAUSEN DISEASE; Peripheral type neurofibromatosis; Neurofibromatosis, type I. Identifiers: Orphanet 636, MedGen C0027831, MONDO:0018975, OMIM 162200. Disease mechanism: loss of function.

Submissions (4):

NHS Central & South Genomic Laboratory Hub
Classification: Pathogenic for Neurofibromatosis type 1. Last evaluated: 2024-11-11. Review status: criteria provided, single submitter. Criteria: ACMG Guidelines, 2015. Collection method: clinical testing. Allele origin: germline. Affected: yes.

Ambry Genetics
Classification: Pathogenic for Cardiovascular phenotype; Hereditary cancer-predisposing syndrome. Last evaluated: 2022-04-18. Review status: criteria provided, single submitter. Criteria: Ambry Variant Classification Scheme 2023. Collection method: clinical testing. Allele origin: germline.
Comment: The p.L1167* pathogenic mutation (also known as c.3500T>G), located in coding exon 27 of the NF1 gene, results from a T to G substitution at nucleotide position 3500. This changes the amino acid from a leucine to a stop codon within coding exon 27. This variant was identified in 1 of 565 unrelated French probands with clinical diagnoses or suspicion of NF1 (Sabbagh A et al. Hum Mutat, 2013 Nov;34:1510-8). This variant is considered to be rare based on population cohorts in the Genome Aggregation Database (gnomAD). In addition to the clinical data presented in the literature, this alteration is expected to result in loss of function by premature protein truncation or nonsense-mediated mRNA decay. As such, this alteration is interpreted as a disease-causing mutation.

Labcorp Genetics (formerly Invitae), Labcorp
Classification: Pathogenic for Neurofibromatosis, type 1. Last evaluated: 2022-01-22. Review status: criteria provided, single submitter. Criteria: Invitae Variant Classification Sherloc (09022015). Collection method: clinical testing. Allele origin: germline.
Comment: For these reasons, this variant has been classified as Pathogenic. ClinVar contains an entry for this variant (Variation ID: 188394). This premature translational stop signal has been observed in individual(s) with neurofibromatosis type 1 (PMID: 23913538). In at least one individual the data is consistent with being in trans (on the opposite chromosome) from a pathogenic variant. This variant is not present in population databases (gnomAD no frequency). This sequence change creates a premature translational stop signal (p.Leu1167*) in the NF1 gene. It is expected to result in an absent or disrupted protein product. Loss-of-function variants in NF1 are known to be pathogenic (PMID: 10712197, 23913538).

Juno Genomics, Hangzhou Juno Genomics, Inc
Classification: Pathogenic for Neurofibromatosis, type 1. Review status: criteria provided, single submitter. Criteria: ACMG Guidelines, 2015. Collection method: clinical testing. Allele origin: germline. Affected: yes.
Comment: Absent from controls (or at extremely low frequency if recessive) in Genome Aggregation Database, Exome Sequencing Project, 1000 Genomes Project, or Exome Aggregation Consortium.;Null variant in a gene where loss of function (LOF) is a known mechanism of disease.;The prevalence of the variant in affected individuals is significantly increased compared to the prevalence in controls.;Patient's phenotype or family history is highly specific for a disease with a single genetic etiology.

Literature cited by the submitters: PubMed 23913538 (cited by Labcorp Genetics (formerly Invitae), Labcorp); PubMed 10712197 (cited by Labcorp Genetics (formerly Invitae), Labcorp).

NM_001042492.3(NF1):c.3500T>G (p.Leu1167Ter)

Gene: NF1 (neurofibromin 1; plus strand). Cytogenetic location: 17q11.2.
Variant type: single nucleotide variant.
Coding change: c.3500T>G on transcript NM_001042492.3 (MANE Select); coding-DNA position 3500, T replaced by G.
Protein change: p.Leu1167Ter; replaces leucine 1167 with a stop codon.
Molecular consequence: nonsense.
Genome position (GRCh38, 1-based): chr17:31,233,005, T>G. VCF-style: chr17-31233005-T-G. GRCh37 (hg19) VCF-style: chr17-29560023-T-G.
Other names: c.3500T>G, p.Leu1167Ter (NM_000267.4); short protein forms L1167*.
Identifiers: ClinVar variation 188394 (VCV000188394.10), dbSNP rs786204253, ClinGen allele CA334775.